The following is an entry in ClinVar:

NM_002270.4(TNPO1):c.360T>C (p.Ile120=)

Gene: TNPO1 (transportin 1; plus strand). Cytogenetic location: 5q13.2.
Variant type: single nucleotide variant.
Coding change: c.360T>C on transcript NM_002270.4 (MANE Select); coding-DNA position 360, T replaced by C.
Protein change: p.Ile120=; no amino-acid change (isoleucine 120 retained).
Molecular consequence: synonymous variant.
Genome position (GRCh38, 1-based): chr5:72,861,812, T>C. VCF-style: chr5-72861812-T-C. GRCh37 (hg19) VCF-style: chr5-72157639-T-C.
Other names: c.336T>C, p.Ile112= (NM_001364292.3, NM_001364293.3, NM_001364294.3 and 2 more transcripts); c.210T>C, p.Ile70= (NM_001364295.3).
Identifiers: ClinVar variation 3050401 (VCV003050401.2), dbSNP rs768294052, ClinGen allele CA3301233.

ClinVar aggregate classification (germline): Likely benign (0 of 4 stars; one submission).

Conditions:
TNPO1-related disorder. Also called: TNPO1-related condition.

Allele frequency attached by ClinVar (database versions not stated): ExAC 0.00001.
gnomAD v4.1: 2 of 1,612,056 alleles (0.00012%); no homozygotes.

Submission:

PreventionGenetics, part of Exact Sciences
Classification: Likely benign for TNPO1-related condition. Last evaluated: 2019-07-11. Review status: no assertion criteria provided. Collection method: clinical testing. Allele origin: germline.
Comment: This variant is classified as likely benign based on ACMG/AMP sequence variant interpretation guidelines (Richards et al. 2015 PMID: 25741868, with internal and published modifications).